The following is an entry in ClinVar:

ClinVar aggregate classification (germline): Uncertain significance (1 of 4 stars; one submission).

Allele frequency attached by ClinVar (database versions not stated): gnomAD exomes below 0.00001; TOPMed below 0.00001.
gnomAD v4.1: 1 of 1,611,846 alleles (0.000062%); highest among the groups gnomAD compares: Non-Finnish European, 0.000085%; no homozygotes.

Submission:

Ambry Genetics
Classification: Uncertain significance. Last evaluated: 2024-01-11. Review status: criteria provided, single submitter. Criteria: Ambry Variant Classification Scheme 2023. Collection method: clinical testing. Allele origin: germline.
Comment: The p.I427V variant (also known as c.1279A>G), located in coding exon 9 of the POLQ gene, results from an A to G substitution at nucleotide position 1279. The isoleucine at codon 427 is replaced by valine, an amino acid with highly similar properties. This amino acid position is conserved. In addition, this alteration is predicted to be tolerated by in silico analysis. Since supporting evidence is limited at this time, the clinical significance of this alteration remains unclear.

NM_199420.4(POLQ):c.1279A>G (p.Ile427Val)

Gene: POLQ (DNA polymerase theta; minus strand). Cytogenetic location: 3q13.33.
Variant type: single nucleotide variant.
Coding change: c.1279A>G on transcript NM_199420.4 (MANE Select); coding-DNA position 1279, A replaced by G.
Protein change: p.Ile427Val; replaces isoleucine 427 with valine.
Molecular consequence: missense variant.
Genome position (GRCh38, 1-based): chr3:121,520,060, T>C on the plus strand (A>G on the coding strand, the complement: POLQ is on the minus strand). VCF-style: chr3-121520060-T-C. GRCh37 (hg19) VCF-style: chr3-121238907-T-C.
Other names: short protein forms I427V.
Identifiers: ClinVar variation 3229825 (VCV003229825.1), dbSNP rs1179164835, ClinGen allele CA354119946.